The following is an entry in ClinVar:

ClinVar aggregate classification (germline): Uncertain significance. Review status: criteria provided, single submitter (1 of 4 stars). 2 submissions from 2 submitters: Uncertain significance (1). 1 of the submissions does not count toward it. Last evaluated 2024-04-01.

Allele frequency attached by ClinVar (database versions not stated): TOPMed 0.00001; gnomAD exomes 0.00002; ESP Exome Variant Server 0.00008.
gnomAD v4.1: 25 of 1,612,770 alleles (0.0016%); highest among the groups gnomAD compares: Non-Finnish European, 0.0021%; no homozygotes.

Submissions (2):

Women's Health and Genetics/Laboratory Corporation of America, LabCorp
Classification: Uncertain significance. Last evaluated: 2024-04-01. Review status: criteria provided, single submitter. Criteria: LabCorp Variant Classification Summary - May 2015. Collection method: clinical testing. Allele origin: germline.

Department of Pathology and Laboratory Medicine, Sinai Health System
Classification: Uncertain significance. Review status: no assertion criteria provided. Collection method: clinical testing. Allele origin: unknown. Affected: yes. Study: The Canadian Open Genetics Repository (COGR). Not counted in ClinVar's aggregate classification.
Comment: The ETFDH p.Lys379Arg variant was not identified in the literature nor was it identified in ClinVar, Cosmic, LOVD 3.0 or the following control databases: the 1000 Genomes Project, the NHLBI GO Exome Sequencing Project, the Exome Aggregation Consortium (August 8th 2016), or the Genome Aggregation Database (Feb 27, 2017). The variant was identified in dbSNP (ID: rs140132054). The variant occurs outside of the splicing consensus sequence and in silico or computational prediction software programs (SpliceSiteFinder, MaxEntScan, NNSPLICE, GeneSplicer) do not predict a difference in splicing. The p.Lys379 residue is conserved in mammals but not in more distantly related organisms however four out of five computational analyses (PolyPhen-2, SIFT, AlignGVGD, BLOSUM) do not suggest a high likelihood of impact to the protein; this information is not predictive enough to rule out pathogenicity. In summary, based on the above information the clinical significance of this variant cannot be determined with certainty at this time. This variant is classified as a variant of uncertain significance.

NM_004453.4(ETFDH):c.1319A>G (p.Lys440Arg)

Gene: ETFDH (electron transfer flavoprotein dehydrogenase; plus strand). Cytogenetic location: 4q32.1.
Variant type: single nucleotide variant.
Coding change: c.1319A>G on transcript NM_004453.4 (MANE Select); coding-DNA position 1319, A replaced by G.
Protein change: p.Lys440Arg; replaces lysine 440 with arginine.
Molecular consequence: missense variant.
Genome position (GRCh38, 1-based): chr4:158,706,222, A>G. VCF-style: chr4-158706222-A-G. GRCh37 (hg19) VCF-style: chr4-159627374-A-G.
Other names: c.1178A>G, p.Lys393Arg (NM_001281737.2); c.1136A>G, p.Lys379Arg (NM_001281738.1); short protein forms K379R, K393R, K440R.
Identifiers: ClinVar variation 1049314 (VCV001049314.2), dbSNP rs140132054, ClinGen allele CA108818963.